The following is an entry in ClinVar:

NM_000481.4(AMT):c.221del (p.Gln74fs)

Gene: AMT (aminomethyltransferase; minus strand). Cytogenetic location: 3p21.31.
Variant type: Deletion.
Coding change: c.221del on transcript NM_000481.4 (MANE Select); coding-DNA position 221, one base deleted (A; older notation c.221delA).
Protein change: p.Gln74fs; shifts the reading frame from glutamine 74.
Molecular consequence: frameshift variant. On other transcripts: non-coding transcript variant (1), intron variant (1).
Genome position (GRCh38, 1-based): chr3:49,422,141, T deleted on the plus strand (A on the coding strand, the reverse complement: AMT is on the minus strand). VCF-style (leftmost placement, unchanged base first): chr3-49422140-CT-C. GRCh37 (hg19) VCF-style: chr3-49459573-CT-C.
Other names: c.221del, p.Gln74fs (NM_001164710.2, NM_001164712.2); c.90+220del (NM_001164711.2); short protein forms Q74fs.
Identifiers: ClinVar variation 1405893 (VCV001405893.6), dbSNP rs2107937370, ClinGen allele CA2573137088.

ClinVar aggregate classification (germline): Pathogenic (1 of 4 stars; one submission).

Conditions:
Glycine encephalopathy. Also called: Nonketotic hyperglycinemia; Non-ketotic hyperglycinemia. Identifiers: Orphanet 407, MedGen C0751748, MONDO:0011612, HP:0008288.

Submission:

Labcorp Genetics (formerly Invitae), Labcorp
Classification: Pathogenic for Glycine encephalopathy. Last evaluated: 2021-12-02. Review status: criteria provided, single submitter. Criteria: Invitae Variant Classification Sherloc (09022015). Collection method: clinical testing. Allele origin: germline.
Comment: This sequence change creates a premature translational stop signal (p.Gln74Argfs*22) in the AMT gene. It is expected to result in an absent or disrupted protein product. Loss-of-function variants in AMT are known to be pathogenic (PMID: 16450403). This variant is not present in population databases (gnomAD no frequency). This variant has not been reported in the literature in individuals affected with AMT-related conditions. For these reasons, this variant has been classified as Pathogenic.

Literature cited by the submitters: PubMed 16450403.